The following is an entry in ClinVar:

ClinVar aggregate classification (germline): Likely benign (0 of 4 stars; one submission).

Conditions:
NCKAP1-related disorder. Also called: NCKAP1-related condition.

Allele frequency attached by ClinVar (database versions not stated): gnomAD 0.00003; TOPMed 0.00003; gnomAD exomes 0.00004; ExAC 0.00014; 1000 Genomes Project 30x 0.00016.

Submission:

PreventionGenetics, part of Exact Sciences
Classification: Likely benign for NCKAP1-related condition. Last evaluated: 2019-02-26. Review status: no assertion criteria provided. Collection method: clinical testing. Allele origin: germline.
Comment: This variant is classified as likely benign based on ACMG/AMP sequence variant interpretation guidelines (Richards et al. 2015 PMID: 25741868, with internal and published modifications).

NM_013436.5(NCKAP1):c.1629-3dup

Gene: NCKAP1 (NCK associated protein 1; minus strand). Cytogenetic location: 2q32.1.
Variant type: Duplication.
Coding change: c.1629-3dup on transcript NM_013436.5 (MANE Select); 3 bases into the intron before coding-DNA position 1629, one base duplicated (T; older notation c.1629-3dupT).
Molecular consequence: intron variant.
Genome position (GRCh38, 1-based): chr2:182,964,811, A duplicated on the plus strand (T on the coding strand, the reverse complement: NCKAP1 is on the minus strand). VCF-style (leftmost placement, unchanged base first): chr2-182964810-T-TA. GRCh37 (hg19) VCF-style: chr2-183829538-T-TA.
Other names: c.1647-3dup (NM_205842.3).
Identifiers: ClinVar variation 3058826 (VCV003058826.2), dbSNP rs748743125, ClinGen allele CA2014527.